The following is an entry in ClinVar:

ClinVar aggregate classification (germline): Uncertain significance (1 of 4 stars; one submission).

Conditions:
Duchenne muscular dystrophy (DMD). Also called: MUSCULAR DYSTROPHY, PSEUDOHYPERTROPHIC PROGRESSIVE, DUCHENNE TYPE; Duchenne Muscular Dystrophy (DMD). Identifiers: Orphanet 98896, MedGen C0013264, MONDO:0010679, OMIM 310200.

Submission:

Labcorp Genetics (formerly Invitae), Labcorp
Classification: Uncertain significance for Duchenne muscular dystrophy. Last evaluated: 2022-08-20. Review status: criteria provided, single submitter. Criteria: Invitae Variant Classification Sherloc (09022015). Collection method: clinical testing. Allele origin: germline.
Comment: In summary, the available evidence is currently insufficient to determine the role of this variant in disease. Therefore, it has been classified as a Variant of Uncertain Significance. Algorithms developed to predict the effect of missense changes on protein structure and function are either unavailable or do not agree on the potential impact of this missense change (SIFT: "Deleterious"; PolyPhen-2: "Benign"; Align-GVGD: "Class C25"). This variant has not been reported in the literature in individuals affected with DMD-related conditions. This variant is not present in population databases (gnomAD no frequency). This sequence change replaces glutamic acid, which is acidic and polar, with glutamine, which is neutral and polar, at codon 1304 of the DMD protein (p.Glu1304Gln).

NM_004006.3(DMD):c.3910G>C (p.Glu1304Gln)

Gene: DMD (dystrophin; minus strand). Cytogenetic location: Xp21.1.
Variant type: single nucleotide variant.
Coding change: c.3910G>C on transcript NM_004006.3 (MANE Select); coding-DNA position 3910, G replaced by C.
Protein change: p.Glu1304Gln; replaces glutamic acid 1304 with glutamine.
Molecular consequence: missense variant.
Genome position (GRCh38, 1-based): chrX:32,441,191, C>G on the plus strand (G>C on the coding strand, the complement: DMD is on the minus strand). VCF-style: chrX-32441191-C-G. GRCh37 (hg19) VCF-style: chrX-32459308-C-G.
Other names: c.3886G>C, p.Glu1296Gln (NM_000109.4); c.3898G>C, p.Glu1300Gln (NM_004009.3); c.3541G>C, p.Glu1181Gln (NM_004010.3); short protein forms E1296Q, E1300Q, E1181Q, E1304Q.
Identifiers: ClinVar variation 2193953 (VCV002193953.4), dbSNP rs2524124485, ClinGen allele CA412670162.